The following is an entry in ClinVar:

NM_005862.3(STAG1):c.3286A>G (p.Asn1096Asp)

Gene: STAG1 (STAG1 cohesin complex component; minus strand). Cytogenetic location: 3q22.3.
Variant type: single nucleotide variant.
Coding change: c.3286A>G on transcript NM_005862.3 (MANE Select); coding-DNA position 3286, A replaced by G.
Protein change: p.Asn1096Asp; replaces asparagine 1096 with aspartic acid.
Molecular consequence: missense variant.
Genome position (GRCh38, 1-based): chr3:136,343,992, T>C on the plus strand (A>G on the coding strand, the complement: STAG1 is on the minus strand). VCF-style: chr3-136343992-T-C. GRCh37 (hg19) VCF-style: chr3-136062834-T-C.
Other names: short protein forms N1096D.
Identifiers: ClinVar variation 3384905 (VCV003384905.1).

ClinVar aggregate classification (germline): Uncertain significance (1 of 4 stars; one submission).

gnomAD v4.1: 1 of 1,584,576 alleles (0.000063%); highest among the groups gnomAD compares: Non-Finnish European, 0.000086%; no homozygotes.

Submission:

Women's Health and Genetics/Laboratory Corporation of America, LabCorp
Classification: Uncertain significance. Last evaluated: 2024-10-07. Review status: criteria provided, single submitter. Criteria: LabCorp Variant Classification Summary - May 2015. Collection method: clinical testing. Allele origin: germline.
Comment: Variant summary: STAG1 c.3286A>G (p.Asn1096Asp) results in a conservative amino acid change in the encoded protein sequence. Five of five in-silico tools predict a benign effect of the variant on protein function. The variant was absent in 215556 control chromosomes. The available data on variant occurrences in the general population are insufficient to allow any conclusion about variant significance. To our knowledge, no occurrence of c.3286A>G in individuals affected with Mental Retardation, Autosomal Dominant 47 and no experimental evidence demonstrating its impact on protein function have been reported. No submitters have cited clinical-significance assessments for this variant to ClinVar. Based on the evidence outlined above, the variant was classified as uncertain significance.